The following is an entry in ClinVar:

NM_021076.4(NEFH):c.123T>C (p.Ala41=)

Gene: NEFH (neurofilament heavy chain; plus strand). Cytogenetic location: 22q12.2.
Variant type: single nucleotide variant.
Coding change: c.123T>C on transcript NM_021076.4 (MANE Select); coding-DNA position 123, T replaced by C.
Protein change: p.Ala41=; no amino-acid change (alanine 41 retained).
Molecular consequence: synonymous variant.
Genome position (GRCh38, 1-based): chr22:29,480,385, T>C. VCF-style: chr22-29480385-T-C. GRCh37 (hg19) VCF-style: chr22-29876374-T-C.
Other names: p.Ala41=.
Identifiers: ClinVar variation 1250865 (VCV001250865.14), dbSNP rs7288867, ClinGen allele CA10173968.

ClinVar aggregate classification (germline): Benign. Review status: criteria provided, multiple submitters, no conflicts (2 of 4 stars). 5 submissions from 5 submitters: Benign (4). 1 of the submissions does not count toward it. Last evaluated 2026-02-04.

Conditions:
NEFH-related disorder. Also called: NEFH-related condition.

Allele frequency attached by ClinVar (database versions not stated): gnomAD exomes 0.00591 and 0.01129; ExAC 0.01812; gnomAD 0.06208 and 0.06636; TOPMed 0.06874; 1000 Genomes Project 0.06969; 1000 Genomes Project 30x 0.07714.
gnomAD v4.1: 18,039 of 1,536,072 alleles (1.2%); highest among the groups gnomAD compares: African/African-American, 22%; 1,760 homozygotes.

Submissions (5):

Labcorp Genetics (formerly Invitae), Labcorp
Classification: Benign. Last evaluated: 2026-02-04. Review status: criteria provided, single submitter. Criteria: Invitae Variant Classification Sherloc (09022015). Collection method: clinical testing. Allele origin: germline.

Mayo Clinic Laboratories, Mayo Clinic
Classification: Benign. Last evaluated: 2022-03-24. Review status: criteria provided, single submitter. Criteria: ACMG Guidelines, 2015. Collection method: clinical testing. Allele origin: germline. Observed: 30 variant alleles.

GeneDx
Classification: Benign. Last evaluated: 2021-04-02. Review status: criteria provided, single submitter. Criteria: GeneDx Variant Classification Process June 2021. Collection method: clinical testing. Allele origin: germline. Affected: yes.

Breakthrough Genomics
Classification: Benign. Review status: criteria provided, single submitter. Criteria: ACMG Guidelines, 2015. Collection method: not provided. Allele origin: germline. Inheritance: Autosomal recessive inheritance. Affected: yes.

PreventionGenetics, part of Exact Sciences
Classification: Benign for NEFH-related condition. Last evaluated: 2020-02-24. Review status: no assertion criteria provided. Collection method: clinical testing. Allele origin: germline. Not counted in ClinVar's aggregate classification.
Comment: This variant is classified as benign based on ACMG/AMP sequence variant interpretation guidelines (Richards et al. 2015 PMID: 25741868, with internal and published modifications).